The following is an entry in ClinVar:

NM_000660.7(TGFB1):c.1098C>G (p.Ile366Met)

Gene: TGFB1 (transforming growth factor beta 1; minus strand). Cytogenetic location: 19q13.2.
Variant type: single nucleotide variant.
Coding change: c.1098C>G on transcript NM_000660.7 (MANE Select); coding-DNA position 1098, C replaced by G.
Protein change: p.Ile366Met; replaces isoleucine 366 with methionine.
Molecular consequence: missense variant.
Genome position (GRCh38, 1-based): chr19:41,331,127, G>C on the plus strand (C>G on the coding strand, the complement: TGFB1 is on the minus strand). VCF-style: chr19-41331127-G-C. GRCh37 (hg19) VCF-style: chr19-41837032-G-C.
Other names: short protein forms I366M.
Identifiers: ClinVar variation 4807900 (VCV004807900.1).

ClinVar aggregate classification (germline): Uncertain significance (1 of 4 stars; one submission).

Submission:

Labcorp Genetics (formerly Invitae), Labcorp
Classification: Uncertain significance. Last evaluated: 2025-12-22. Review status: criteria provided, single submitter. Criteria: Invitae Variant Classification Sherloc (09022015). Collection method: clinical testing. Allele origin: germline.
Comment: This sequence change replaces isoleucine, which is neutral and non-polar, with methionine, which is neutral and non-polar, at codon 366 of the TGFB1 protein (p.Ile366Met). This variant is not present in population databases (gnomAD no frequency). This variant has not been reported in the literature in individuals affected with TGFB1-related conditions. Invitae Evidence Modeling of protein sequence and biophysical properties (such as structural, functional, and spatial information, amino acid conservation, physicochemical variation, residue mobility, and thermodynamic stability) indicates that this missense variant is not expected to disrupt TGFB1 protein function with a negative predictive value of 80%. In summary, the available evidence is currently insufficient to determine the role of this variant in disease. Therefore, it has been classified as a Variant of Uncertain Significance.